The following is an entry in ClinVar:

NM_001267550.2(TTN):c.61991A>T (p.Asn20664Ile)

Genes: TTN (titin; minus strand), TTN-AS1 (TTN antisense RNA 1; plus strand). Cytogenetic location: 2q31.2.
Variant type: single nucleotide variant.
Coding change: c.61991A>T on transcript NM_001267550.2 (MANE Select); coding-DNA position 61991, A replaced by T.
Protein change: p.Asn20664Ile; replaces asparagine 20664 with isoleucine.
Molecular consequence: missense variant.
Genome position (GRCh38, 1-based): chr2:178,589,734, T>A on the plus strand (A>T on the coding strand, the complement: TTN is on the minus strand). VCF-style: chr2-178589734-T-A. GRCh37 (hg19) VCF-style: chr2-179454461-T-A.
Other names: c.57068A>T, p.Asn19023Ile (NM_001256850.1); c.34796A>T, p.Asn11599Ile (NM_003319.4); c.54287A>T, p.Asn18096Ile (NM_133378.4); c.35171A>T, p.Asn11724Ile (NM_133432.3); c.35372A>T, p.Asn11791Ile (NM_133437.4); short protein forms N19023I, N20664I, N11724I, N18096I, N11599I, N11791I.
Identifiers: ClinVar variation 515693 (VCV000515693.2), dbSNP rs1214786970, ClinGen allele CA349466838.

ClinVar aggregate classification (germline): Conflicting classifications of pathogenicity. Review status: criteria provided, conflicting classifications (1 of 4 stars). 2 submissions from 2 submitters: Uncertain significance (1); Likely benign (1). Last evaluated 2025-06-20.

Conditions:
TTN-related disorder. Also called: TTN-related condition; TTN-related disease; TTN-related disorders.

Allele frequency attached by ClinVar (database versions not stated): gnomAD exomes below 0.00001; gnomAD 0.00001; TOPMed 0.00001.
gnomAD v4.1: 3 of 1,613,428 alleles (0.00019%); highest among the groups gnomAD compares: Admixed American, 0.0033%; no homozygotes.

Submissions (2):

PreventionGenetics, part of Exact Sciences
Classification: Uncertain significance for TTN-related condition. Last evaluated: 2025-06-20. Review status: criteria provided, single submitter. Criteria: ACMG Guidelines, 2015. Collection method: clinical testing. Allele origin: germline.
Comment: The TTN c.61991A>T variant is predicted to result in the amino acid substitution p.Asn20664Ile. To our knowledge, this variant has not been reported in the literature. This variant is reported in 0.0029% of alleles in individuals of Latino descent in gnomAD. At this time, the clinical significance of this variant is uncertain due to the absence of conclusive functional and genetic evidence.

GeneDx
Classification: Likely benign. Last evaluated: 2018-02-22. Review status: criteria provided, single submitter. Criteria: GeneDx Variant Classification (06012015). Collection method: clinical testing. Allele origin: germline. Affected: yes.
Comment: This variant is considered likely benign or benign based on one or more of the following criteria: it is a conservative change, it occurs at a poorly conserved position in the protein, it is predicted to be benign by multiple in silico algorithms, and/or has population frequency not consistent with disease.